The following is an entry in ClinVar:

NM_032776.3(JMJD1C):c.5023A>G (p.Ser1675Gly)

Gene: JMJD1C (jumonji domain containing 1C; minus strand). Cytogenetic location: 10q21.3.
Variant type: single nucleotide variant.
Coding change: c.5023A>G on transcript NM_032776.3 (MANE Select); coding-DNA position 5023, A replaced by G.
Protein change: p.Ser1675Gly; replaces serine 1675 with glycine.
Molecular consequence: missense variant. On other transcripts: non-coding transcript variant (1).
Genome position (GRCh38, 1-based): chr10:63,206,646, T>C on the plus strand (A>G on the coding strand, the complement: JMJD1C is on the minus strand). VCF-style: chr10-63206646-T-C. GRCh37 (hg19) VCF-style: chr10-64966406-T-C.
Other names: c.4477A>G, p.Ser1493Gly (NM_001282948.2, NM_001318154.2); c.4159A>G, p.Ser1387Gly (NM_001318153.2); c.4909A>G, p.Ser1637Gly (NM_001322252.2); c.4366A>G, p.Ser1456Gly (NM_001322254.2, NM_001322258.2); short protein forms S1387G, S1493G, S1637G, S1456G, S1675G.
Identifiers: ClinVar variation 949071 (VCV000949071.9), dbSNP rs373554892, ClinGen allele CA208371169.

ClinVar aggregate classification (germline): Uncertain significance (1 of 4 stars; one submission).

Conditions:
Early Myoclonic Encephalopathy. Identifiers: MedGen C0270855.

Allele frequency attached by ClinVar (database versions not stated): gnomAD 0.00001 and 0.00002; ESP Exome Variant Server 0.00008; TOPMed 0.00003.
gnomAD v4.1: 53 of 1,608,742 alleles (0.0033%); highest among the groups gnomAD compares: Non-Finnish European, 0.0041%; no homozygotes.

Submission:

Labcorp Genetics (formerly Invitae), Labcorp
Classification: Uncertain significance for Early Myoclonic Encephalopathy. Last evaluated: 2019-05-08. Review status: criteria provided, single submitter. Criteria: Invitae Variant Classification Sherloc (09022015). Collection method: clinical testing. Allele origin: germline.
Comment: This variant has not been reported in the literature in individuals with JMJD1C-related conditions. Algorithms developed to predict the effect of missense changes on protein structure and function are either unavailable or do not agree on the potential impact of this missense change (SIFT: "Deleterious"; PolyPhen-2: "Probably Damaging"; Align-GVGD: "Class C0"). In summary, the available evidence is currently insufficient to determine the role of this variant in disease. Therefore, it has been classified as a Variant of Uncertain Significance. This sequence change replaces serine with glycine at codon 1675 of the JMJD1C protein (p.Ser1675Gly). The serine residue is highly conserved and there is a small physicochemical difference between serine and glycine. This variant is not present in population databases (ExAC no frequency).